The following is an entry in ClinVar:

NM_000018.4(ACADVL):c.739A>G (p.Lys247Glu)

Gene: ACADVL (acyl-CoA dehydrogenase very long chain; plus strand). Cytogenetic location: 17p13.1.
Variant type: single nucleotide variant.
Coding change: c.739A>G on transcript NM_000018.4 (MANE Select); coding-DNA position 739, A replaced by G.
Protein change: p.Lys247Glu; replaces lysine 247 with glutamic acid.
Molecular consequence: missense variant.
Genome position (GRCh38, 1-based): chr17:7,222,068, A>G. VCF-style: chr17-7222068-A-G. GRCh37 (hg19) VCF-style: chr17-7125387-A-G.
Other names: c.673A>G, p.Lys225Glu (NM_001033859.3); c.808A>G, p.Lys270Glu (NM_001270447.2); c.511A>G, p.Lys171Glu (NM_001270448.2); short protein forms K247E, K171E, K225E, K270E.
Identifiers: ClinVar variation 553167 (VCV000553167.5), dbSNP rs387906253, ClinGen allele CA397723573.

ClinVar aggregate classification (germline): Likely pathogenic. Review status: criteria provided, single submitter (1 of 4 stars). 2 submissions from 2 submitters: Likely pathogenic (1). 1 of the submissions does not count toward it. Last evaluated 2023-05-19.

Conditions:
Very long chain acyl-CoA dehydrogenase deficiency (ACADVLD). Also called: Very Long-Chain Acyl-Coenzyme A Dehydrogenase Deficiency; VLCAD Deficiency. Identifiers: Orphanet 26793, MedGen C3887523, MONDO:0008723, OMIM 201475.

Submissions (2):

Labcorp Genetics (formerly Invitae), Labcorp
Classification: Likely pathogenic for Very long chain acyl-CoA dehydrogenase deficiency. Last evaluated: 2023-05-19. Review status: criteria provided, single submitter. Criteria: Invitae Variant Classification Sherloc (09022015). Collection method: clinical testing. Allele origin: germline.
Comment: In summary, the currently available evidence indicates that the variant is pathogenic, but additional data are needed to prove that conclusively. Therefore, this variant has been classified as Likely Pathogenic. This variant disrupts the p.Lys247 amino acid residue in ACADVL. Other variant(s) that disrupt this residue have been determined to be pathogenic (PMID: 10077518, 10790204). This suggests that this residue is clinically significant, and that variants that disrupt this residue are likely to be disease-causing. Advanced modeling of protein sequence and biophysical properties (such as structural, functional, and spatial information, amino acid conservation, physicochemical variation, residue mobility, and thermodynamic stability) performed at Invitae indicates that this missense variant is expected to disrupt ACADVL protein function. ClinVar contains an entry for this variant (Variation ID: 553167). This variant is also known as K207E. This missense change has been observed in individual(s) with very long-chain acyl-CoA dehydrogenase deficiency (PMID: 10077518). This variant is not present in population databases (gnomAD no frequency). This sequence change replaces lysine, which is basic and polar, with glutamic acid, which is acidic and polar, at codon 247 of the ACADVL protein (p.Lys247Glu).

Counsyl
Classification: Uncertain significance for Very long chain acyl-CoA dehydrogenase deficiency. Last evaluated: 2017-07-31. Review status: no assertion criteria provided. Collection method: clinical testing. Allele origin: unknown. Not counted in ClinVar's aggregate classification.

Literature cited by the submitters: PubMed 10077518 (cited by Labcorp Genetics (formerly Invitae), Labcorp and Counsyl); PubMed 10790204 (cited by Labcorp Genetics (formerly Invitae), Labcorp).